The following is an entry in ClinVar:

NM_001194998.2(CEP152):c.5115A>G (p.Pro1705=)

Gene: CEP152 (centrosomal protein 152; minus strand). Cytogenetic location: 15q21.1.
Variant type: single nucleotide variant.
Coding change: c.5115A>G on transcript NM_001194998.2 (MANE Select); coding-DNA position 5115, A replaced by G.
Protein change: p.Pro1705=; no amino-acid change (proline 1705 retained).
Molecular consequence: synonymous variant.
Genome position (GRCh38, 1-based): chr15:48,738,267, T>C on the plus strand (A>G on the coding strand, the complement: CEP152 is on the minus strand). VCF-style: chr15-48738267-T-C. GRCh37 (hg19) VCF-style: chr15-49030464-T-C.
Other names: c.5115A>G (NM_001194998.1); c.4947A>G, p.Pro1649= (NM_014985.4).
Identifiers: ClinVar variation 158272 (VCV000158272.24), dbSNP rs1048042, ClinGen allele CA211092.
Genomic context (GRCh38, chr15:48,738,267, plus strand): 5'-TTGTTAATATATTAATGATTCTTCTTAAATACTGTACCATAATTAGTCTAGATTAACAAA[T>C]GGGCTATCAAAGCCACTATCTTGTTGGCTAGATAGCGGAACAATTAATTTTCTTGAAGGC-3'
Protein context (NP_001181927.1, residues 1695-1710): SSQQDSGFDS[Pro1705=]FVNLD

ClinVar aggregate classification (germline): Conflicting classifications of pathogenicity. Review status: criteria provided, conflicting classifications (1 of 4 stars). 7 submissions from 6 submitters: Uncertain significance (1); Benign (1); Likely benign (4). 1 of the submissions does not count toward it. Last evaluated 2026-06-01.

Conditions:
CEP152-related disorder. Also called: CEP152-related condition; CEP152-related disorders. Identifiers: MedGen CN239248.
Microcephaly 9, primary, autosomal recessive. Identifiers: Orphanet 2512, MedGen C3553886, MONDO:0013923, OMIM 614852.
Seckel syndrome 5 (SCKL5). Identifiers: Orphanet 808, MedGen C3151187, MONDO:0013443, OMIM 613823.

Allele frequency attached by ClinVar (database versions not stated): TOPMed 0.00298; 1000 Genomes Project 30x 0.00359; 1000 Genomes Project 0.00379; gnomAD exomes 0.00025 and 0.00061; ExAC 0.00079; gnomAD 0.00255 and 0.00273; ESP Exome Variant Server 0.00289.
gnomAD v4.1: 773 of 1,613,418 alleles (0.048%); highest among the groups gnomAD compares: African/African-American, 0.93%; 3 homozygotes.

Submissions (7):

CeGaT Center for Human Genetics Tuebingen
Classification: Likely benign. Last evaluated: 2026-06-01. Review status: criteria provided, single submitter. Criteria: CeGaT Center For Human Genetics Tuebingen Variant Classification Criteria Version 2. Collection method: clinical testing. Allele origin: germline. Affected: yes. Observed: 1 variant allele.
Comment: CEP152: BP4, BP7

Labcorp Genetics (formerly Invitae), Labcorp
Classification: Benign. Last evaluated: 2026-01-26. Review status: criteria provided, single submitter. Criteria: Invitae Variant Classification Sherloc (09022015). Collection method: clinical testing. Allele origin: germline.

GeneDx
Classification: Likely benign. Last evaluated: 2021-01-22. Review status: criteria provided, single submitter. Criteria: GeneDx Variant Classification Process June 2021. Collection method: clinical testing. Allele origin: germline. Affected: yes.

Illumina Laboratory Services, Illumina
Classification: Likely benign for Seckel syndrome 5. Last evaluated: 2018-01-13. Review status: criteria provided, single submitter. Criteria: ICSL Variant Classification Criteria 13 December 2019. Collection method: clinical testing. Allele origin: germline.
Comment: This variant was observed in the ICSL laboratory as part of a predisposition screen in an ostensibly healthy population. It had not been previously curated by ICSL or reported in the Human Gene Mutation Database (HGMD: prior to June 1st, 2018), and was therefore a candidate for classification through an automated scoring system. Utilizing variant allele frequency, disease prevalence and penetrance estimates, and inheritance mode, an automated score was calculated to assess if this variant is too frequent to cause the disease. Based on the score and internal cut-off values, a variant classified as likely benign is not then subjected to further curation. The score for this variant resulted in a classification of likely benign for this disease.

Illumina Laboratory Services, Illumina
Classification: Likely benign for Microcephaly 9, primary, autosomal recessive. Last evaluated: 2018-01-13. Review status: criteria provided, single submitter. Criteria: ICSL Variant Classification Criteria 13 December 2019. Collection method: clinical testing. Allele origin: germline.
Comment: the same text as in the submission from Illumina Laboratory Services, Illumina above.

Genetic Services Laboratory, University of Chicago
Classification: Uncertain significance for Microcephaly 9, primary, autosomal recessive. Last evaluated: 2014-01-27. Review status: criteria provided, single submitter. Criteria: ACMG Guidelines, 2007. Collection method: clinical testing. Allele origin: germline. Inheritance: Autosomal recessive inheritance.

PreventionGenetics, part of Exact Sciences
Classification: Benign for CEP152-related condition. Last evaluated: 2019-03-06. Review status: no assertion criteria provided. Collection method: clinical testing. Allele origin: germline. Not counted in ClinVar's aggregate classification.
Comment: This variant is classified as benign based on ACMG/AMP sequence variant interpretation guidelines (Richards et al. 2015 PMID: 25741868, with internal and published modifications).